The following is an entry in ClinVar:

NM_013275.6(ANKRD11):c.3405C>G (p.Phe1135Leu)

Gene: ANKRD11 (ankyrin repeat domain containing 11; minus strand). Cytogenetic location: 16q24.3.
Variant type: single nucleotide variant.
Coding change: c.3405C>G on transcript NM_013275.6 (MANE Select); coding-DNA position 3405, C replaced by G.
Protein change: p.Phe1135Leu; replaces phenylalanine 1135 with leucine.
Molecular consequence: missense variant.
Genome position (GRCh38, 1-based): chr16:89,283,137, G>C on the plus strand (C>G on the coding strand, the complement: ANKRD11 is on the minus strand). VCF-style: chr16-89283137-G-C. GRCh37 (hg19) VCF-style: chr16-89349545-G-C.
Other names: c.3405C>G, p.Phe1135Leu (NM_001256182.2, NM_001256183.2); short protein forms F1135L.
Identifiers: ClinVar variation 3774989 (VCV003774989.1).

ClinVar aggregate classification (germline): Uncertain significance (1 of 4 stars; one submission).

Submission:

GeneDx
Classification: Uncertain significance. Last evaluated: 2024-09-29. Review status: criteria provided, single submitter. Criteria: GeneDx Variant Classification Process June 2021. Collection method: clinical testing. Allele origin: germline. Affected: yes.
Comment: Not observed at significant frequency in large population cohorts (gnomAD); In silico analysis indicates that this missense variant does not alter protein structure/function; Has not been previously published as pathogenic or benign to our knowledge